The following is an entry in ClinVar:

NM_170707.4(LMNA):c.283_284delinsTG (p.Val95Ter)

Gene: LMNA (lamin A/C; plus strand). Cytogenetic location: 1q22.
Variant type: Indel.
Coding change: c.283_284delinsTG on transcript NM_170707.4 (MANE Select); coding-DNA positions 283 to 284, GT replaced by TG.
Protein change: p.Val95Ter; replaces valine 95 with a stop codon.
Molecular consequence: nonsense.
Genome position (GRCh38, 1-based): chr1:156,115,201-156,115,202, GT replaced by TG. VCF-style: chr1-156115201-GT-TG. GRCh37 (hg19) VCF-style: chr1-156084992-GT-TG.
Other names: c.283_284delinsTG, p.Val95Ter (NM_001282625.2, NM_001282626.2, NM_005572.4 and 1 more transcripts); short protein forms V95*.
Identifiers: ClinVar variation 1358953 (VCV001358953.6), dbSNP rs2102818749, ClinGen allele CA2573131090.

ClinVar aggregate classification (germline): Pathogenic (1 of 4 stars; one submission).

Conditions:
Charcot-Marie-Tooth disease type 2. Also called: Charcot-Marie-Tooth type 2. Identifiers: Orphanet 64746, MedGen C0270914, MONDO:0018993.

Submission:

Labcorp Genetics (formerly Invitae), Labcorp
Classification: Pathogenic for Charcot-Marie-Tooth disease type 2. Last evaluated: 2021-08-04. Review status: criteria provided, single submitter. Criteria: Invitae Variant Classification Sherloc (09022015). Collection method: clinical testing. Allele origin: germline.
Comment: For these reasons, this variant has been classified as Pathogenic. This variant has not been reported in the literature in individuals affected with LMNA-related conditions. The frequency data for this variant in the population databases is not available, as this variant may be reported as separate entries in the ExAC database. This sequence change creates a premature translational stop signal (p.Val95*) in the LMNA gene. It is expected to result in an absent or disrupted protein product. Loss-of-function variants in LMNA are known to be pathogenic (PMID: 18585512, 18926329).

Literature cited by the submitters: PubMed 18585512; PubMed 18926329.